The following is an entry in ClinVar:

NM_001430.5(EPAS1):c.218-8dup

Gene: EPAS1 (endothelial PAS domain protein 1; plus strand). Cytogenetic location: 2p21.
Variant type: Duplication.
Coding change: c.218-8dup on transcript NM_001430.5 (MANE Select); 8 bases into the intron before coding-DNA position 218, one base duplicated (C; older notation c.218-8dupC).
Molecular consequence: intron variant.
Genome position (GRCh38, 1-based): chr2:46,356,143, C duplicated; the last of 10 consecutive C bases (chr2:46,356,134-46,356,143); duplicating any one gives the same sequence. VCF-style (leftmost placement, unchanged base first): chr2-46356133-A-AC. GRCh37 (hg19) VCF-style: chr2-46583272-A-AC.
Identifiers: ClinVar variation 3770686 (VCV003770686.14).

ClinVar aggregate classification (germline): Likely benign. Review status: criteria provided, multiple submitters, no conflicts (2 of 4 stars). 2 submissions from 2 submitters: Likely benign (2). Last evaluated 2026-09-01.

Submissions (2):

CeGaT Center for Human Genetics Tuebingen
Classification: Likely benign. Last evaluated: 2026-09-01. Review status: criteria provided, single submitter. Criteria: CeGaT Center For Human Genetics Tuebingen Variant Classification Criteria Version 2. Collection method: clinical testing. Allele origin: germline. Affected: yes. Observed: 2 variant alleles.
Comment: EPAS1: BP4, BS1

Blueprint Genetics
Classification: Likely benign. Last evaluated: 2024-11-18. Review status: criteria provided, single submitter. Criteria: ACMG Guidelines, 2015. Collection method: clinical testing. Allele origin: germline.